The following is an entry in ClinVar:

ClinVar aggregate classification (germline): Pathogenic (1 of 4 stars; one submission).

Allele frequency attached by ClinVar (database versions not stated): gnomAD exomes below 0.00001.

Submission:

Labcorp Genetics (formerly Invitae), Labcorp
Classification: Pathogenic. Last evaluated: 2023-06-05. Review status: criteria provided, single submitter. Criteria: Invitae Variant Classification Sherloc (09022015). Collection method: clinical testing. Allele origin: germline.
Comment: For these reasons, this variant has been classified as Pathogenic. Algorithms developed to predict the effect of sequence changes on RNA splicing suggest that this variant may disrupt the consensus splice site. This variant has not been reported in the literature in individuals affected with TMC1-related conditions. This variant is not present in population databases (gnomAD no frequency). This sequence change creates a premature translational stop signal (p.Glu95Argfs*4) in the TMC1 gene. It is expected to result in an absent or disrupted protein product. Loss-of-function variants in TMC1 are known to be pathogenic (PMID: 11850618, 22105175).

Literature cited by the submitters: PubMed 11850618; PubMed 22105175.

NM_138691.3(TMC1):c.282dup (p.Glu95fs)

Gene: TMC1 (transmembrane channel like 1; plus strand). Cytogenetic location: 9q21.13.
Variant type: Duplication.
Coding change: c.282dup on transcript NM_138691.3 (MANE Select); coding-DNA position 282, one base duplicated (A; older notation c.282dupA).
Protein change: p.Glu95fs; shifts the reading frame from glutamic acid 95.
Molecular consequence: frameshift variant.
Genome position (GRCh38, 1-based): chr9:72,700,563, A duplicated. VCF-style (leftmost placement, unchanged base first): chr9-72700562-C-CA. GRCh37 (hg19) VCF-style: chr9-75315478-C-CA.
Other names: short protein forms E95fs.
Identifiers: ClinVar variation 2819766 (VCV002819766.3), dbSNP rs2489719092, ClinGen allele CA2690286354.
Genomic context (GRCh38, chr9:72,700,562, plus strand): 5'-TTTTTTACTTTTAAAGAGAAGAAGAAGAAATTGATGAAGAGGAATTGGAAAGATTGAAGG[C>CA]AGAGTTAGATGAGAAAAGACAAATAATTGCTACTGTCAAATGCAAACCATGGAAGATGGA-3'